The following is an entry in ClinVar:

ClinVar aggregate classification (germline): Uncertain significance (1 of 4 stars; one submission).

Submission:

GeneDx
Classification: Uncertain significance. Last evaluated: 2024-08-21. Review status: criteria provided, single submitter. Criteria: GeneDx Variant Classification Process June 2021. Collection method: clinical testing. Allele origin: germline. Affected: yes.
Comment: Not observed at significant frequency in large population cohorts (gnomAD); In silico analysis supports that this missense variant has a deleterious effect on protein structure/function; This variant is associated with the following publications: (PMID: 24861851, 32959505)

NM_000891.3(KCNJ2):c.436G>C (p.Gly146Arg)

Gene: KCNJ2 (potassium inwardly rectifying channel subfamily J member 2; plus strand). Cytogenetic location: 17q24.3.
Variant type: single nucleotide variant.
Coding change: c.436G>C on transcript NM_000891.3 (MANE Select); coding-DNA position 436, G replaced by C.
Protein change: p.Gly146Arg; replaces glycine 146 with arginine.
Molecular consequence: missense variant.
Genome position (GRCh38, 1-based): chr17:70,175,475, G>C. VCF-style: chr17-70175475-G-C. GRCh37 (hg19) VCF-style: chr17-68171616-G-C.
Other names: short protein forms G146R.
Identifiers: ClinVar variation 1327728 (VCV001327728.3), dbSNP rs199473654, ClinGen allele CA400860592.
Genomic context (GRCh38, chr17:70,175,475, plus strand): 5'-GTCAACAGCTTCACGGCTGCCTTCCTCTTCTCCATTGAGACCCAGACAACCATAGGCTAT[G>C]GTTTCAGATGTGTCACGGATGAATGCCCAATTGCTGTTTTCATGGTGGTGTTCCAGTCAA-3'
Protein context (NP_000882.1, residues 136-156): SIETQTTIGY[Gly146Arg]FRCVTDECPI